The following is an entry in ClinVar:

ClinVar aggregate classification (germline): Pathogenic (0 of 4 stars; one submission).

Conditions:
Syndromic craniosynostosis. Identifiers: Orphanet 139393, MedGen C5680624, MONDO:0015338.

Submission:

Wilkie Group, Clinical Genetics Lab, WIMM, University of Oxford
Classification: Pathogenic for Syndromic craniosynostosis. Last evaluated: 2021-01-01. Review status: no assertion criteria provided. Collection method: clinical testing. Allele origin: inherited. Affected: yes.

NC_000019.10:g.41952441_42266625del

Genes: ATP1A3 (ATPase Na+/K+ transporting subunit alpha 3; minus strand), DEDD2 (death effector domain containing 2; minus strand), ERF (ETS2 repressor factor; minus strand), GRIK5 (glutamate ionotropic receptor kainate type subunit 5; minus strand), GSK3A (glycogen synthase kinase 3 alpha; minus strand) and 39 more. Cytogenetic location: 19q13.2.
Variant type: Deletion.
Identifiers: ClinVar variation 1064657 (VCV001064657.2).